The following is an entry in ClinVar:

NM_000417.3(IL2RA):c.188T>C (p.Leu63Pro)

Gene: IL2RA (interleukin 2 receptor subunit alpha; minus strand). Cytogenetic location: 10p15.1.
Variant type: single nucleotide variant.
Coding change: c.188T>C on transcript NM_000417.3 (MANE Select); coding-DNA position 188, T replaced by C.
Protein change: p.Leu63Pro; replaces leucine 63 with proline.
Molecular consequence: missense variant.
Genome position (GRCh38, 1-based): chr10:6,025,902, A>G on the plus strand (T>C on the coding strand, the complement: IL2RA is on the minus strand). VCF-style: chr10-6025902-A-G. GRCh37 (hg19) VCF-style: chr10-6067865-A-G.
Other names: c.188T>C, p.Leu63Pro (NM_001308242.2, NM_001308243.2); short protein forms L63P.
Identifiers: ClinVar variation 1991662 (VCV001991662.1), dbSNP rs1839476159, ClinGen allele CA375930338.

ClinVar aggregate classification (germline): Uncertain significance (1 of 4 stars; one submission).

Conditions:
Immunodeficiency due to CD25 deficiency. Also called: IMMUNODEFICIENCY 41 WITH LYMPHOPROLIFERATION AND AUTOIMMUNITY; IL2RA DEFICIENCY; CD25 DEFICIENCY. Identifiers: Orphanet 169100, MedGen C1853392, MONDO:0011664, OMIM 606367.

Allele frequency attached by ClinVar (database versions not stated): gnomAD exomes 0.00001; TOPMed 0.00003.
gnomAD v4.1: 3 of 1,614,188 alleles (0.00019%); highest among the groups gnomAD compares: Non-Finnish European, 0.00025%; no homozygotes.

Submission:

Labcorp Genetics (formerly Invitae), Labcorp
Classification: Uncertain significance for Immunodeficiency due to CD25 deficiency. Last evaluated: 2022-07-23. Review status: criteria provided, single submitter. Criteria: Invitae Variant Classification Sherloc (09022015). Collection method: clinical testing. Allele origin: germline.
Comment: This sequence change replaces leucine, which is neutral and non-polar, with proline, which is neutral and non-polar, at codon 63 of the IL2RA protein (p.Leu63Pro). This variant is not present in population databases (gnomAD no frequency). This variant has not been reported in the literature in individuals affected with IL2RA-related conditions. Algorithms developed to predict the effect of missense changes on protein structure and function output the following: SIFT: "Tolerated"; PolyPhen-2: "Benign"; Align-GVGD: "Class C0". The proline amino acid residue is found in multiple mammalian species, which suggests that this missense change does not adversely affect protein function. In summary, the available evidence is currently insufficient to determine the role of this variant in disease. Therefore, it has been classified as a Variant of Uncertain Significance.